The following is an entry in ClinVar:

ClinVar aggregate classification (germline): Benign (1 of 4 stars; one submission).

gnomAD v4.1: 23,198 of 1,613,508 alleles (1.4%); highest among the groups gnomAD compares: Middle Eastern, 5.2%; 267 homozygotes.

Submission:

CeGaT Center for Human Genetics Tuebingen
Classification: Benign. Last evaluated: 2025-01-01. Review status: criteria provided, single submitter. Criteria: CeGaT Center For Human Genetics Tuebingen Variant Classification Criteria Version 2. Collection method: clinical testing. Allele origin: germline. Affected: yes. Observed: 1 variant allele.
Comment: ADAMTS5: BS1, BS2

NM_007038.5(ADAMTS5):c.1729G>A (p.Gly577Ser)

Gene: ADAMTS5 (ADAM metallopeptidase with thrombospondin type 1 motif 5; minus strand). Cytogenetic location: 21q21.3.
Variant type: single nucleotide variant.
Coding change: c.1729G>A on transcript NM_007038.5 (MANE Select); coding-DNA position 1729, G replaced by A.
Protein change: p.Gly577Ser; replaces glycine 577 with serine.
Molecular consequence: missense variant.
Genome position (GRCh38, 1-based): chr21:26,933,005, C>T on the plus strand (G>A on the coding strand, the complement: ADAMTS5 is on the minus strand). VCF-style: chr21-26933005-C-T. GRCh37 (hg19) VCF-style: chr21-28305324-C-T.
Other names: short protein forms G577S.
Identifiers: ClinVar variation 3770440 (VCV003770440.13).